The following is an entry in ClinVar:

ClinVar aggregate classification (germline): Pathogenic. Review status: criteria provided, multiple submitters, no conflicts (2 of 4 stars). 6 submissions from 5 submitters: Pathogenic (4). 2 of the submissions do not count toward it. Last evaluated 2025-03-28.

Conditions:
Zellweger spectrum disorders (ZS). Also called: Zellweger syndrome; Zellweger Spectrum Disorder (ZSD); Zellweger Spectrum Disorder; Zellweger Spectrum. Identifiers: Orphanet 912, MedGen C0043459, MONDO:0019609.
Peroxisome biogenesis disorder 1B (PBD1B). Also called: PEROXISOME BIOGENESIS DISORDER (NEONATAL ADRENOLEUKODYSTROPHY/INFANTILE REFSUM DISEASE); INFANTILE PHYTANIC ACID STORAGE DISEASE; PEROXISOME BIOGENESIS DISORDER (NALD/IRD); ADRENOLEUKODYSTROPHY, AUTOSOMAL NEONATAL; Refsum disease, infantile form; Infantile Refsum disease. Identifiers: Orphanet 44, MedGen C0282527, MONDO:0011101, OMIM 601539.
Peroxisome biogenesis disorder 1A (Zellweger) (PBD1A). Also called: Zellweger leukodystrophy; Peroxisome biogenesis disorder 1a. Identifiers: MedGen C4721541, MONDO:0008953, OMIM 214100.
PEX1-related disorder. Also called: PEX1-related condition.
Heimler syndrome 1 (HMLR1). Also called: PEROXISOME BIOGENESIS DISORDER 1C. Identifiers: Orphanet 3220, MedGen C4551980, OMIM 234580, MONDO:0024544.

Allele frequency attached by ClinVar (database versions not stated): gnomAD exomes 0.00001.

Submissions (6):

Labcorp Genetics (formerly Invitae), Labcorp
Classification: Pathogenic for Zellweger spectrum disorders. Last evaluated: 2025-03-28. Review status: criteria provided, single submitter. Criteria: Invitae Variant Classification Sherloc (09022015). Collection method: clinical testing. Allele origin: germline.
Comment: This sequence change affects the initiator methionine of the PEX1 mRNA. The next in-frame methionine is located at codon 209. This variant is not present in population databases (gnomAD no frequency). Disruption of the initiator codon has been observed in individuals with Zellweger spectrum disorder (PMID: 21031596). ClinVar contains an entry for this variant (Variation ID: 371744). This variant disrupts a region of the PEX1 protein in which other variant(s) (p.Val92Leu) have been observed in individuals with PEX1-related conditions (PMID: 16141001). This suggests that this is a clinically significant region of the protein, and that variants that disrupt it are likely to be disease-causing. For these reasons, this variant has been classified as Pathogenic.

Blueprint Genetics
Classification: Pathogenic for PEX1-related disorders. Last evaluated: 2024-09-13. Review status: criteria provided, single submitter. Criteria: ACMG Guidelines, 2015. Collection method: clinical testing. Allele origin: germline. Affected: yes. Observed: 1 variant allele.

Fulgent Genetics
Classification: Pathogenic for Peroxisome biogenesis disorder 1A (Zellweger); Heimler syndrome 1; Peroxisome biogenesis disorder 1B. Last evaluated: 2024-01-03. Review status: criteria provided, single submitter. Criteria: ACMG Guidelines, 2015. Collection method: clinical testing. Allele origin: germline.

GeneDx
Classification: Pathogenic. Last evaluated: 2019-01-17. Review status: criteria provided, single submitter. Criteria: GeneDx Variant Classification (06012015). Collection method: clinical testing. Allele origin: germline. Affected: yes.
Comment: The c.1 A>T variant has not been published as a pathogenic variant, nor has it been reported as a benign variant to our knowledge. The c.1 A>T variant is not observed in large population cohorts (Lek et al., 2016). The c.1 A>T variant alters the initiator Methionine codon, and the resultant protein would be described as p.Met1?" using a question mark to signify that it is not known if the loss of Met1 means that all protein translation is completely prevented or if an abnormal protein is produced using an alternate Met. In summary, we interpret this variant as pathogenic."

Counsyl
Classification: Likely pathogenic for Peroxisome biogenesis disorder 1A (Zellweger). Last evaluated: 2016-05-24. Review status: no assertion criteria provided. Collection method: clinical testing. Allele origin: unknown. Not counted in ClinVar's aggregate classification.

Counsyl
Classification: Likely pathogenic for Peroxisome biogenesis disorder 1B. Last evaluated: 2016-05-24. Review status: no assertion criteria provided. Collection method: clinical testing. Allele origin: unknown. Not counted in ClinVar's aggregate classification.

Literature cited by the submitters: PubMed 21031596 (cited by Labcorp Genetics (formerly Invitae), Labcorp); PubMed 16141001 (cited by Labcorp Genetics (formerly Invitae), Labcorp).

NM_000466.3(PEX1):c.1A>T (p.Met1Leu)

Genes: PEX1 (peroxisomal biogenesis factor 1; minus strand), LOC129998796 (ATAC-STARR-seq lymphoblastoid silent region 18372; plus strand). Cytogenetic location: 7q21.2.
Variant type: single nucleotide variant.
Coding change: c.1A>T on transcript NM_000466.3 (MANE Select); coding-DNA position 1, A replaced by T.
Protein change: p.Met1Leu; changes the start codon (methionine 1).
Molecular consequence: missense variant, initiator codon variant. On other transcripts: 5 prime UTR variant (1).
Genome position (GRCh38, 1-based): chr7:92,528,435, T>A on the plus strand (A>T on the coding strand, the complement: PEX1 is on the minus strand). VCF-style: chr7-92528435-T-A. GRCh37 (hg19) VCF-style: chr7-92157749-T-A.
Other names: c.1A>T, p.Met1Leu (NM_001282677.2); c.-659A>T (NM_001282678.2); short protein forms M1L.
Identifiers: ClinVar variation 371744 (VCV000371744.13), dbSNP rs1057517501, ClinGen allele CA16041178.
Genomic context (GRCh38, chr7:92,528,435, plus strand): 5'-AGGCCACAGTCACTGCCGCCCCGCCTCCCCCAGCACCCGCCAGGCGATCGCTGCCCCACA[T>A]CGTCCCGGAGCGTCGCTCTGGGTTCGCCCACCCTAGCGCCGCAAAGGACCCGGGACCCGG-3'
Protein context (NP_000457.1, residues 1-11): [Met1Leu]WGSDRLAGAG